The following is an entry in ClinVar:

ClinVar aggregate classification (germline): Conflicting classifications of pathogenicity. Review status: criteria provided, conflicting classifications (1 of 4 stars). 6 submissions from 6 submitters: Uncertain significance (3); Likely benign (3). Last evaluated 2025-10-02.

Conditions:
Classic or attenuated familial adenomatous polyposis. Identifiers: MedGen CN372698, MONDO:0021057.
Hereditary cancer-predisposing syndrome. Also called: Hereditary neoplastic syndrome; Tumor predisposition; Hereditary Cancer Syndrome; Neoplastic Syndromes, Hereditary. Identifiers: Orphanet 140162, MedGen C0027672, MeSH D009386, MONDO:0015356.
Familial adenomatous polyposis 1 (FAP1). Also called: FAMILIAL ADENOMATOUS POLYPOSIS 1, ATTENUATED; POLYPOSIS, ADENOMATOUS INTESTINAL. Identifiers: MedGen C2713442, MONDO:0021056, OMIM 175100. Disease mechanism: loss of function.

Allele frequency attached by ClinVar (database versions not stated): gnomAD 0.00001 and 0.00002; TOPMed 0.00001; gnomAD exomes 0.00002; 1000 Genomes Project 30x 0.00031; 1000 Genomes Project 0.00040.
gnomAD v4.1: 34 of 1,614,196 alleles (0.0021%); highest among the groups gnomAD compares: Non-Finnish European, 0.0028%; no homozygotes.

Submissions (6):

Labcorp Genetics (formerly Invitae), Labcorp
Classification: Uncertain significance for Familial adenomatous polyposis 1. Last evaluated: 2025-10-02. Review status: criteria provided, single submitter. Criteria: Invitae Variant Classification Sherloc (09022015). Collection method: clinical testing. Allele origin: germline.
Comment: This sequence change replaces arginine, which is basic and polar, with isoleucine, which is neutral and non-polar, at codon 121 of the APC protein (p.Arg121Ile). This variant is present in population databases (rs193049694, gnomAD 0.007%). This variant has not been reported in the literature in individuals affected with APC-related conditions. ClinVar contains an entry for this variant (Variation ID: 220276). Invitae Evidence Modeling of protein sequence and biophysical properties (such as structural, functional, and spatial information, amino acid conservation, physicochemical variation, residue mobility, and thermodynamic stability) indicates that this missense variant is not expected to disrupt APC protein function with a negative predictive value of 95%. RNA analysis performed to evaluate the impact of this missense change on mRNA splicing indicates it does not significantly alter splicing (internal data). In summary, the available evidence is currently insufficient to determine the role of this variant in disease. Therefore, it has been classified as a Variant of Uncertain Significance.

Color Diagnostics, LLC DBA Color Health
Classification: Likely benign for Hereditary cancer-predisposing syndrome. Last evaluated: 2025-03-17. Review status: criteria provided, single submitter. Criteria: ACMG Guidelines, 2015. Collection method: clinical testing. Allele origin: germline.

Molecular Pathology, Peter Maccallum Cancer Centre
Classification: Likely benign for Familial adenomatous polyposis 1. Last evaluated: 2024-07-04. Review status: criteria provided, single submitter. Criteria: ACMG Guidelines, 2015. Collection method: clinical testing. Allele origin: germline. Inheritance: Autosomal dominant inheritance.

Baylor Genetics
Classification: Uncertain significance for Familial adenomatous polyposis 1. Last evaluated: 2024-01-17. Review status: criteria provided, single submitter. Criteria: ACMG Guidelines, 2015. Collection method: clinical testing. Allele origin: unknown.

All of Us Research Program, National Institutes of Health
Classification: Uncertain significance for Classic or attenuated familial adenomatous polyposis. Last evaluated: 2023-02-15. Review status: criteria provided, single submitter. Criteria: ACMG Guidelines, 2015. Collection method: clinical testing. Allele origin: germline. Inheritance: Autosomal dominant inheritance. Observed: 1 variant allele, 1 heterozygote.
Comment: This missense variant replaces arginine with isoleucine at codon 121 of the APC protein. Computational prediction is inconclusive regarding the impact of this variant on protein structure and function (internally defined REVEL score threshold 0.5 < inconclusive < 0.7, PMID: 27666373). To our knowledge, functional studies have not been reported for this variant. This variant has not been reported in individuals affected with APC-related disorders in the literature. This variant has been identified in 5/251462 chromosomes in the general population by the Genome Aggregation Database (gnomAD). The available evidence is insufficient to determine the role of this variant in disease conclusively. Therefore, this variant is classified as a Variant of Uncertain Significance.

This study involves interpretation of variants in research participants for the purpose of population health screening. Participant phenotype was not available at the time of variant classification. Additional details can be found in publication PMID: 35346344, PMCID: PMC8962531

Ambry Genetics
Classification: Likely benign for Hereditary cancer-predisposing syndrome. Last evaluated: 2022-09-08. Review status: criteria provided, single submitter. Criteria: Ambry Variant Classification Scheme 2023. Collection method: clinical testing. Allele origin: germline.

NM_000038.6(APC):c.362G>T (p.Arg121Ile)

Gene: APC (APC regulator of Wnt signaling pathway; plus strand). Cytogenetic location: 5q22.2.
Variant type: single nucleotide variant.
Coding change: c.362G>T on transcript NM_000038.6 (MANE Select); coding-DNA position 362, G replaced by T.
Protein change: p.Arg121Ile; replaces arginine 121 with isoleucine.
Molecular consequence: missense variant. On other transcripts: 5 prime UTR variant (1).
Genome position (GRCh38, 1-based): chr5:112,767,330, G>T. VCF-style: chr5-112767330-G-T. GRCh37 (hg19) VCF-style: chr5-112103027-G-T.
Other names: c.362G>T, p.Arg121Ile (NM_001127510.3, NM_001354895.2, NM_001354896.2 and 2 more transcripts); c.392G>T, p.Arg131Ile (NM_001127511.3, NM_001354897.2, NM_001354902.2); c.287G>T, p.Arg96Ile (NM_001354898.2, NM_001354904.2); c.185G>T, p.Arg62Ile (NM_001354900.2, NM_001354901.2, NM_001354905.2); c.-674G>T (NM_001354906.2); short protein forms R121I, R131I, R62I, R96I.
Identifiers: ClinVar variation 220276 (VCV000220276.21), dbSNP rs193049694, ClinGen allele CA036020.
Genomic context (GRCh38, chr5:112,767,330, plus strand): 5'-GATCTGTATCAAGCCGTTCTGGAGAGTGCAGTCCTGTTCCTATGGGTTCATTTCCAAGAA[G>T]AGGGTTTGTAAATGGAAGCAGAGAAAGTACTGGATATTTAGAAGAACTTGAGAAAGAGAG-3'
Protein context (NP_000029.2, residues 111-131): SPVPMGSFPR[Arg121Ile]GFVNGSREST